The following is an entry in ClinVar:

NM_001042492.3(NF1):c.4889C>T (p.Thr1630Ile)

Gene: NF1 (neurofibromin 1; plus strand). Cytogenetic location: 17q11.2.
Variant type: single nucleotide variant.
Coding change: c.4889C>T on transcript NM_001042492.3 (MANE Select); coding-DNA position 4889, C replaced by T.
Protein change: p.Thr1630Ile; replaces threonine 1630 with isoleucine.
Molecular consequence: missense variant.
Genome position (GRCh38, 1-based): chr17:31,325,873, C>T. VCF-style: chr17-31325873-C-T. GRCh37 (hg19) VCF-style: chr17-29652891-C-T.
Other names: c.4826C>T, p.Thr1609Ile (NM_000267.4); short protein forms T1630I, T1609I.
Identifiers: ClinVar variation 1743385 (VCV001743385.5), dbSNP rs2508694622, ClinGen allele CA399007040.

ClinVar aggregate classification (germline): Uncertain significance. Review status: criteria provided, multiple submitters, no conflicts (2 of 4 stars). 2 submissions from 2 submitters: Uncertain significance (2). Last evaluated 2023-06-07.

Conditions:
Cardiovascular phenotype. Identifiers: MedGen CN230736.
Hereditary cancer-predisposing syndrome. Also called: Neoplastic Syndromes, Hereditary; Tumor predisposition; Hereditary Cancer Syndrome; Hereditary neoplastic syndrome. Identifiers: Orphanet 140162, MedGen C0027672, MeSH D009386, MONDO:0015356.
Neurofibromatosis, type 1 (NF1). Also called: VON RECKLINGHAUSEN DISEASE; NEUROFIBROMATOSIS, TYPE I, SOMATIC; Neurofibromatosis, type I; Peripheral type neurofibromatosis. Identifiers: Orphanet 636, MedGen C0027831, MONDO:0018975, OMIM 162200. Disease mechanism: loss of function.

Allele frequency attached by ClinVar (database versions not stated): gnomAD exomes below 0.00001.
gnomAD v4.1: 1 of 1,614,194 alleles (0.000062%); highest among the groups gnomAD compares: Non-Finnish European, 0.000085%; no homozygotes.

Submissions (2):

Labcorp Genetics (formerly Invitae), Labcorp
Classification: Uncertain significance for Neurofibromatosis, type 1. Last evaluated: 2023-06-07. Review status: criteria provided, single submitter. Criteria: Invitae Variant Classification Sherloc (09022015). Collection method: clinical testing. Allele origin: germline.
Comment: In summary, the available evidence is currently insufficient to determine the role of this variant in disease. Therefore, it has been classified as a Variant of Uncertain Significance. Advanced modeling of protein sequence and biophysical properties (such as structural, functional, and spatial information, amino acid conservation, physicochemical variation, residue mobility, and thermodynamic stability) performed at Invitae indicates that this missense variant is expected to disrupt NF1 protein function. ClinVar contains an entry for this variant (Variation ID: 1743385). This variant has not been reported in the literature in individuals affected with NF1-related conditions. This variant is not present in population databases (gnomAD no frequency). This sequence change replaces threonine, which is neutral and polar, with isoleucine, which is neutral and non-polar, at codon 1609 of the NF1 protein (p.Thr1609Ile).

Ambry Genetics
Classification: Uncertain significance for Cardiovascular phenotype; Hereditary cancer-predisposing syndrome. Last evaluated: 2021-05-24. Review status: criteria provided, single submitter. Criteria: Ambry Variant Classification Scheme 2023. Collection method: clinical testing. Allele origin: germline.
Comment: The p.T1609I variant (also known as c.4826C>T), located in coding exon 36 of the NF1 gene, results from a C to T substitution at nucleotide position 4826. The threonine at codon 1609 is replaced by isoleucine, an amino acid with similar properties. This variant was reported in 1/60,466 breast cancer cases and in 0/53,461 controls (Dorling et al. N Engl J Med. 2021 02;384:428-439). This amino acid position is highly conserved in available vertebrate species. In addition, this alteration is predicted to be deleterious by in silico analysis. Since supporting evidence is limited at this time, the clinical significance of this alteration remains unclear.